The following is an entry in ClinVar:

ClinVar aggregate classification (germline): Uncertain significance/VUS-high. Review status: criteria provided, multiple submitters, no conflicts (2 of 4 stars). 4 submissions from 4 submitters: Uncertain significance (2); VUS-high (1). 1 of the submissions does not count toward it. Last evaluated 2026-07-27.

Conditions:
Hereditary nonpolyposis colorectal neoplasms. Identifiers: MedGen C0009405, MeSH D003123.
Hereditary cancer-predisposing syndrome. Also called: Hereditary Cancer Syndrome; Neoplastic Syndromes, Hereditary; Hereditary neoplastic syndrome; Tumor predisposition. Identifiers: Orphanet 140162, MedGen C0027672, MeSH D009386, MONDO:0015356.
Lynch syndrome 5 (LYNCH5). Also called: Hereditary non-polyposis colorectal cancer, type 5; Colorectal cancer, hereditary nonpolyposis, type 5. Identifiers: Orphanet 144, MedGen C1833477, MONDO:0013710, OMIM 614350. Disease mechanism: loss of function.
Endometrial carcinoma. Also called: Endometrial carcinoma, somatic. Identifiers: MedGen C0476089, MONDO:0002447, OMIM 608089, HP:0012114.

Submissions (4):

Foulkes Cancer Genetics LDI, Lady Davis Institute for Medical Research
Classification: VUS-high for Lynch syndrome 5. Last evaluated: 2026-07-27. Review status: criteria provided, single submitter. Criteria: ACMG Guidelines, 2015. Collection method: clinical testing. Allele origin: germline. Inheritance: Autosomal dominant inheritance. Affected: yes.
Comment: The MSH6 c.2061T>G variant has been identified in 14 probands, the majority of whom have Portuguese ancestry. Of the 14 families, 11 fulfill at least one of the clinical criteria for Lynch syndrome (LS). One of the probands has a clinical diagnosis of constitutional mismatch repair deficiency, however the variant is in trans with another VUS (PMID: 32642664). MSH6 c.2061T>G is classified as a “Variant of Uncertain Significance” per the ACMG criteria (5 points) but as “Likely Pathogenic” according to the CanVIG-UK guidelines (August 2025 version) (9 points). This is because although both classification systems award four positive points for the phenotypic specificity (PP4) and one positive point for cosegregation (PP1), ACMG awards one negative point on account of the retained MSH6 protein in some tumors arising in MSH6 c.2061T>G carriers. This is despite multiple studies demonstrating that missense variants, particularly in MSH6, can commonly result in unexpected staining patterns (PMID: 32652087, 40118460, 41041321). There is currently no functional data available for this variant. The variant is absent from gnomAD (PM2), which is awarded two points under the CanVIG-UK criteria and one point under the ACMG criteria. In conclusion, this variant is considered uncertain by the ACMG, but the evidence available in strongly suggestive of its pathogenicity.

Labcorp Genetics (formerly Invitae), Labcorp
Classification: Uncertain significance for Hereditary nonpolyposis colorectal neoplasms. Last evaluated: 2020-11-28. Review status: criteria provided, single submitter. Criteria: Invitae Variant Classification Sherloc (09022015). Collection method: clinical testing. Allele origin: germline.
Comment: This sequence change replaces cysteine with tryptophan at codon 687 of the MSH6 protein (p.Cys687Trp). The cysteine residue is moderately conserved and there is a large physicochemical difference between cysteine and tryptophan. This variant is not present in population databases (ExAC no frequency). This variant has not been reported in the literature in individuals with MSH6-related conditions. ClinVar contains an entry for this variant (Variation ID: 428342). Algorithms developed to predict the effect of missense changes on protein structure and function are either unavailable or do not agree on the potential impact of this missense change (SIFT: "Deleterious"; PolyPhen-2: "Probably Damaging"; Align-GVGD: "Class C0"). In summary, the available evidence is currently insufficient to determine the role of this variant in disease. Therefore, it has been classified as a Variant of Uncertain Significance.

Ambry Genetics
Classification: Uncertain significance for Hereditary cancer-predisposing syndrome. Last evaluated: 2018-11-13. Review status: criteria provided, single submitter. Criteria: Ambry Variant Classification Scheme 2023. Collection method: clinical testing. Allele origin: germline.
Comment: The p.C687W variant (also known as c.2061T>G), located in coding exon 4 of the MSH6 gene, results from a T to G substitution at nucleotide position 2061. The cysteine at codon 687 is replaced by tryptophan, an amino acid with highly dissimilar properties. In addition, immunohistochemistry performed on non-neoplastic cells showed loss of MSH6 expression and a co-occurring variant in MSH6, p.P399L, was also identified (Guerrini-Rousseau L et al. Neurooncol Adv Dec;1:vdz033; Suerink M et al. Genet Med, 2019 12;21:2706-2712). This amino acid position is well conserved in available vertebrate species. In addition, this alteration is predicted to be deleterious by in silico analysis. Since supporting evidence is limited at this time, the clinical significance of this alteration remains unclear.

Department of Pathology and Laboratory Medicine, Sinai Health System
Classification: Uncertain significance for Endometrial carcinoma. Review status: no assertion criteria provided. Collection method: clinical testing. Allele origin: unknown. Affected: yes. Observed: 1 variant allele. Study: The Canadian Open Genetics Repository (COGR). Not counted in ClinVar's aggregate classification.
Comment: The MSH6 p.Cys687Trp variant was not identified in the literature, nor was it identified in the dbSNP, NHLBI Exome Sequencing Project (Exome Variant Server), HGMD, COSMIC, MutDB, â€šÃ„ÃºMismatch Repair Genes Variant Databaseâ€šÃ„Ã¹, â€šÃ„ÃºMMR Gene Unclassified Variants Databaseâ€šÃ„Ã¹, â€šÃ„ÃºInSiGHT Colon Cancer Databaseâ€šÃ„Ã¹, â€šÃ„ÃºZhejiang Colon Cancer Databaseâ€šÃ„Ã¹, ClinVar database, or UMD. The p.Cys687 residue is conserved across most mammalian species, but is not conserved in lower organisms. Four out of five computational analyses (PolyPhen-2, SIFT, AlignGVGD, BLOSUM, MutationTaster) suggest that the p.Cys687Trp variant may impact the protein; However, this information is not predictive enough to assume pathogenicity. In summary, based on the above information, the clinical significance of this variant cannot be determined with certainty at this time. This variant is classified as a variant of unknown significance.

Literature cited by the submitters: PubMed 32642664 (cited by Foulkes Cancer Genetics LDI, Lady Davis Institute for Medical Research and Ambry Genetics); PubMed 32652087 (cited by Foulkes Cancer Genetics LDI, Lady Davis Institute for Medical Research); PubMed 40118460 (cited by Foulkes Cancer Genetics LDI, Lady Davis Institute for Medical Research); PubMed 41041321 (cited by Foulkes Cancer Genetics LDI, Lady Davis Institute for Medical Research); PubMed 31204389 (cited by Ambry Genetics).

NM_000179.3(MSH6):c.2061T>G (p.Cys687Trp)

Gene: MSH6 (mutS homolog 6; plus strand). Cytogenetic location: 2p16.3.
Variant type: single nucleotide variant.
Coding change: c.2061T>G on transcript NM_000179.3 (MANE Select); coding-DNA position 2061, T replaced by G.
Protein change: p.Cys687Trp; replaces cysteine 687 with tryptophan.
Molecular consequence: missense variant.
Genome position (GRCh38, 1-based): chr2:47,800,044, T>G. VCF-style: chr2-47800044-T-G. GRCh37 (hg19) VCF-style: chr2-48027183-T-G.
Other names: c.1671T>G, p.Cys557Trp (NM_001281492.2); c.1155T>G, p.Cys385Trp (NM_001281493.2, NM_001281494.2); short protein forms C687W, C385W, C557W.
Identifiers: ClinVar variation 428342 (VCV000428342.15), dbSNP rs267608068, ClinGen allele CA346750777.
Genomic context (GRCh38, chr2:47,800,044, plus strand): 5'-TTCCATTGGGTTGACACCAGGAGAGAAAAGTGAATTGGCCCTCTCTGCTCTAGGTGGTTG[T>G]GTCTTCTACCTCAAAAAATGCCTTATTGATCAGGAGCTTTTATCAATGGCTAATTTTGAA-3'
Protein context (NP_000170.1, residues 677-697): SELALSALGG[Cys687Trp]VFYLKKCLID